The following is an entry in ClinVar:

ClinVar aggregate classification (germline): Uncertain significance (1 of 4 stars; one submission).

Conditions:
TTN-related disorder. Also called: TTN-related disorders; TTN-related condition; TTN-related disease.

gnomAD v4.1: 6 of 1,612,208 alleles (0.00037%); highest among the groups gnomAD compares: African/African-American, 0.004%; no homozygotes.

Submission:

PreventionGenetics, part of Exact Sciences
Classification: Uncertain significance for TTN-related condition. Last evaluated: 2025-05-22. Review status: criteria provided, single submitter. Criteria: ACMG Guidelines, 2015. Collection method: clinical testing. Allele origin: germline.
Comment: The TTN c.45503T>C variant is predicted to result in the amino acid substitution p.Ile15168Thr. To our knowledge, this variant has not been reported in the literature or in a large population database (gnomAD), indicating this variant is rare. At this time, the clinical significance of this variant is uncertain due to the absence of conclusive functional and genetic evidence.

NM_001267550.2(TTN):c.45503T>C (p.Ile15168Thr)

Genes: TTN (titin; minus strand), LOC126806427 (BRD4-independent group 4 enhancer GRCh37_chr2:179485777-179486976; plus strand). Cytogenetic location: 2q31.2.
Variant type: single nucleotide variant.
Coding change: c.45503T>C on transcript NM_001267550.2 (MANE Select); coding-DNA position 45503, T replaced by C.
Protein change: p.Ile15168Thr; replaces isoleucine 15168 with threonine.
Molecular consequence: missense variant.
Genome position (GRCh38, 1-based): chr2:178,621,215, A>G on the plus strand (T>C on the coding strand, the complement: TTN is on the minus strand). VCF-style: chr2-178621215-A-G. GRCh37 (hg19) VCF-style: chr2-179485942-A-G.
Other names: c.40580T>C, p.Ile13527Thr (NM_001256850.1); c.18308T>C, p.Ile6103Thr (NM_003319.4); c.37799T>C, p.Ile12600Thr (NM_133378.4); c.18683T>C, p.Ile6228Thr (NM_133432.3); c.18884T>C, p.Ile6295Thr (NM_133437.4); short protein forms I12600T, I6103T, I6295T, I6228T, I15168T, I13527T.
Identifiers: ClinVar variation 4983538 (VCV004983538.1).